The following is an entry in ClinVar:

ClinVar aggregate classification (germline): Benign/Likely benign. Review status: criteria provided, multiple submitters, no conflicts (2 of 4 stars). 8 submissions from 7 submitters: Benign (1); Likely benign (5). 2 of the submissions do not count toward it. Last evaluated 2026-01-19.

Conditions:
Aortic valve disease 1 (AOVD1). Identifiers: MedGen C3887892, MONDO:0024523, OMIM 109730.
Adams-Oliver syndrome 5 (AOS5). Identifiers: Orphanet 974, MedGen C4014970, MONDO:0014459, OMIM 616028.

Allele frequency attached by ClinVar (database versions not stated): gnomAD 0.00012 and 0.00014; TOPMed 0.00013; 1000 Genomes Project 30x 0.00016; gnomAD exomes 0.00016 and 0.00020; 1000 Genomes Project 0.00020; ExAC 0.00025; ESP Exome Variant Server 0.00026.
gnomAD v4.1: 296 of 1,529,812 alleles (0.019%); highest among the groups gnomAD compares: South Asian, 0.035%; 2 homozygotes.

Submissions (8):

Labcorp Genetics (formerly Invitae), Labcorp
Classification: Likely benign for Adams-Oliver syndrome 5. Last evaluated: 2026-01-19. Review status: criteria provided, single submitter. Criteria: Invitae Variant Classification Sherloc (09022015). Collection method: clinical testing. Allele origin: germline.

Women's Health and Genetics/Laboratory Corporation of America, LabCorp
Classification: Benign. Last evaluated: 2024-10-27. Review status: criteria provided, single submitter. Criteria: LabCorp Variant Classification Summary - May 2015. Collection method: clinical testing. Allele origin: germline.

ARUP Laboratories, Molecular Genetics and Genomics, ARUP Laboratories
Classification: Likely benign. Last evaluated: 2024-06-10. Review status: criteria provided, single submitter. Criteria: ARUP Molecular Germline Variant Investigation Process 2024. Collection method: clinical testing. Allele origin: germline.

Genome-Nilou Lab
Classification: Likely benign for Adams-Oliver syndrome 5. Last evaluated: 2022-03-15. Review status: criteria provided, single submitter. Criteria: ACMG Guidelines, 2015. Collection method: clinical testing. Allele origin: germline. Affected: no.

Genome-Nilou Lab
Classification: Likely benign for Aortic valve disease 1. Last evaluated: 2022-03-15. Review status: criteria provided, single submitter. Criteria: ACMG Guidelines, 2015. Collection method: clinical testing. Allele origin: germline. Affected: no.

GeneDx
Classification: Likely benign. Last evaluated: 2017-06-09. Review status: criteria provided, single submitter. Criteria: GeneDx Variant Classification (06012015). Collection method: clinical testing. Allele origin: germline. Affected: yes.
Comment: This variant is considered likely benign or benign based on one or more of the following criteria: it is a conservative change, it occurs at a poorly conserved position in the protein, it is predicted to be benign by multiple in silico algorithms, and/or has population frequency not consistent with disease.

Genome Diagnostics Laboratory, Amsterdam University Medical Center
Classification: Likely benign. Review status: no assertion criteria provided. Collection method: clinical testing. Allele origin: germline. Affected: yes. Study: VKGL Data-share Consensus. Not counted in ClinVar's aggregate classification.

Genome Diagnostics Laboratory, University Medical Center Utrecht
Classification: Likely benign. Review status: no assertion criteria provided. Collection method: clinical testing. Allele origin: germline. Affected: yes. Study: VKGL Data-share Consensus. Not counted in ClinVar's aggregate classification.

NM_017617.5(NOTCH1):c.1670-19C>T

Gene: NOTCH1 (notch receptor 1; minus strand). Cytogenetic location: 9q34.3.
Variant type: single nucleotide variant.
Coding change: c.1670-19C>T on transcript NM_017617.5 (MANE Select); 19 bases into the intron before coding-DNA position 1670, C replaced by T.
Molecular consequence: intron variant.
Genome position (GRCh38, 1-based): chr9:136,515,735, G>A on the plus strand (C>T on the coding strand, the complement: NOTCH1 is on the minus strand). VCF-style: chr9-136515735-G-A. GRCh37 (hg19) VCF-style: chr9-139410187-G-A.
Other names: c.1670-19C>T (LRG_1122t1).
Identifiers: ClinVar variation 517925 (VCV000517925.15), dbSNP rs377686947, ClinGen allele CA5341665.
Genomic context (GRCh38, chr9:136,515,735, plus strand): 5'-CGCACTCATCGATGTCCACCTCGCAGTGCGTCCCCGTGTACCCTGGACCGTGGGAGGGGC[G>A]GGCACAGGAAGACTTAGGACTGGCGGCCCCCGGGACACCCATGACCAGACCTGGGGTCAC-3'